The following is an entry in ClinVar:

ClinVar aggregate classification (germline): Uncertain significance. Review status: criteria provided, multiple submitters, no conflicts (2 of 4 stars). 2 submissions from 2 submitters: Uncertain significance (2). Last evaluated 2024-01-29.

Conditions:
Inborn genetic diseases. Identifiers: MedGen C0950123, MeSH D030342.

Allele frequency attached by ClinVar (database versions not stated): gnomAD exomes 0.00008; TOPMed 0.00009; gnomAD 0.00006; ExAC 0.00010; ESP Exome Variant Server 0.00008.
gnomAD v4.1: 55 of 1,613,972 alleles (0.0034%); highest among the groups gnomAD compares: South Asian, 0.034%; no homozygotes.

Submissions (2):

Labcorp Genetics (formerly Invitae), Labcorp
Classification: Uncertain significance. Last evaluated: 2024-01-29. Review status: criteria provided, single submitter. Criteria: Invitae Variant Classification Sherloc (09022015). Collection method: clinical testing. Allele origin: germline.
Comment: This sequence change replaces methionine, which is neutral and non-polar, with valine, which is neutral and non-polar, at codon 299 of the ERCC6L2 protein (p.Met299Val). This variant is present in population databases (rs370912243, gnomAD 0.05%). This variant has not been reported in the literature in individuals affected with ERCC6L2-related conditions. ClinVar contains an entry for this variant (Variation ID: 1360299). Experimental studies and prediction algorithms are not available or were not evaluated, and the functional significance of this variant is currently unknown. In summary, the available evidence is currently insufficient to determine the role of this variant in disease. Therefore, it has been classified as a Variant of Uncertain Significance.

Ambry Genetics
Classification: Uncertain significance for Inborn genetic diseases. Last evaluated: 2022-06-09. Review status: criteria provided, single submitter. Criteria: Ambry Variant Classification Scheme 2023. Collection method: clinical testing. Allele origin: germline.

NM_020207.7(ERCC6L2):c.862A>G (p.Met288Val)

Gene: ERCC6L2 (ERCC excision repair 6 like 2; plus strand). Cytogenetic location: 9q22.32.
Variant type: single nucleotide variant.
Coding change: c.862A>G on transcript NM_020207.7 (MANE Select); coding-DNA position 862, A replaced by G.
Protein change: p.Met288Val; replaces methionine 288 with valine.
Molecular consequence: missense variant. On other transcripts: non-coding transcript variant (1).
Genome position (GRCh38, 1-based): chr9:95,915,741, A>G. VCF-style: chr9-95915741-A-G. GRCh37 (hg19) VCF-style: chr9-98678023-A-G.
Other names: c.862A>G, p.Met288Val (NM_001010895.4, NM_001375291.1, NM_001375292.1 and 2 more transcripts); c.895A>G (NM_001010895.2); short protein forms M288V.
Identifiers: ClinVar variation 1360299 (VCV001360299.7), dbSNP rs370912243, ClinGen allele CA5139401.